The following is an entry in ClinVar:

NM_005120.3(MED12):c.6284A>G (p.Gln2095Arg)

Gene: MED12 (mediator complex subunit 12; plus strand). Cytogenetic location: Xq13.1.
Variant type: single nucleotide variant.
Coding change: c.6284A>G on transcript NM_005120.3 (MANE Select); coding-DNA position 6284, A replaced by G.
Protein change: p.Gln2095Arg; replaces glutamine 2095 with arginine.
Molecular consequence: missense variant.
Genome position (GRCh38, 1-based): chrX:71,141,246, A>G. VCF-style: chrX-71141246-A-G. GRCh37 (hg19) VCF-style: chrX-70361096-A-G.
Other names: short protein forms Q2095R.
Identifiers: ClinVar variation 4105989 (VCV004105989.1).

ClinVar aggregate classification (germline): Uncertain significance (1 of 4 stars; one submission).

Conditions:
Familial thoracic aortic aneurysm and aortic dissection (TAAD). Also called: Thoracic aortic aneurysms and dissections. Identifiers: Orphanet 91387, MedGen C4707243, MONDO:0019625.

Submission:

Ambry Genetics
Classification: Uncertain significance for Familial thoracic aortic aneurysm and aortic dissection. Last evaluated: 2025-07-29. Review status: criteria provided, single submitter. Criteria: Ambry Variant Classification Scheme 2023. Collection method: clinical testing. Allele origin: germline.
Comment: The p.Q2095R variant (also known as c.6284A>G), located in coding exon 43 of the MED12 gene, results from an A to G substitution at nucleotide position 6284. The glutamine at codon 2095 is replaced by arginine, an amino acid with highly similar properties. This amino acid position is conserved. In addition, this alteration is predicted to be tolerated by in silico analysis. Based on the available evidence, the clinical significance of this variant remains unclear.